The following is an entry in ClinVar:

ClinVar aggregate classification (germline): Uncertain significance (1 of 4 stars; one submission).

Allele frequency attached by ClinVar (database versions not stated): gnomAD 0.00002; TOPMed 0.00002; ExAC 0.00003; gnomAD exomes 0.00008.
gnomAD v4.1: 123 of 1,613,648 alleles (0.0076%); highest among the groups gnomAD compares: Middle Eastern, 0.017%; 1 homozygote.

Submission:

Labcorp Genetics (formerly Invitae), Labcorp
Classification: Uncertain significance. Last evaluated: 2024-10-16. Review status: criteria provided, single submitter. Criteria: Invitae Variant Classification Sherloc (09022015). Collection method: clinical testing. Allele origin: germline.
Comment: This sequence change replaces arginine, which is basic and polar, with tryptophan, which is neutral and slightly polar, at codon 840 of the LAMB3 protein (p.Arg840Trp). This variant is present in population databases (rs747126025, gnomAD 0.01%), including at least one homozygous and/or hemizygous individual. This variant has not been reported in the literature in individuals affected with LAMB3-related conditions. ClinVar contains an entry for this variant (Variation ID: 2067586). Invitae Evidence Modeling of protein sequence and biophysical properties (such as structural, functional, and spatial information, amino acid conservation, physicochemical variation, residue mobility, and thermodynamic stability) indicates that this missense variant is expected to disrupt LAMB3 protein function with a positive predictive value of 80%. In summary, the available evidence is currently insufficient to determine the role of this variant in disease. Therefore, it has been classified as a Variant of Uncertain Significance.

NM_000228.3(LAMB3):c.2518C>T (p.Arg840Trp)

Gene: LAMB3 (laminin subunit beta 3; minus strand). Cytogenetic location: 1q32.2.
Variant type: single nucleotide variant.
Coding change: c.2518C>T on transcript NM_000228.3 (MANE Select); coding-DNA position 2518, C replaced by T.
Protein change: p.Arg840Trp; replaces arginine 840 with tryptophan.
Molecular consequence: missense variant.
Genome position (GRCh38, 1-based): chr1:209,623,020, G>A on the plus strand (C>T on the coding strand, the complement: LAMB3 is on the minus strand). VCF-style: chr1-209623020-G-A. GRCh37 (hg19) VCF-style: chr1-209796365-G-A.
Other names: c.2518C>T, p.Arg840Trp (NM_001017402.2, NM_001127641.1); short protein forms R840W.
Identifiers: ClinVar variation 2067586 (VCV002067586.2), dbSNP rs747126025, ClinGen allele CA1375219.
Genomic context (GRCh38, chr1:209,623,020, plus strand): 5'-ACCCCGCCTCGGCTGCACTTACCATCTGCCTGGTCCGCTGGAGCTGGGCATTGAAGCCCC[G>A]CAGCTGCTCAGCCACCTGCCCCGCCATCAAGAAGGCCCCACCGGCCCTGGGAAGGACACC-3'
Protein context (NP_000219.2, residues 830-850): LMAGQVAEQL[Arg840Trp]GFNAQLQRTR